The following is an entry in ClinVar:

ClinVar aggregate classification (germline): Conflicting classifications of pathogenicity. Review status: criteria provided, conflicting classifications (1 of 4 stars). 8 submissions from 8 submitters: Uncertain significance (6); Benign (1); Likely benign (1). Last evaluated 2026-06-12.

Conditions:
Classic or attenuated familial adenomatous polyposis. Identifiers: MedGen CN372698, MONDO:0021057.
Familial adenomatous polyposis 1 (FAP1). Also called: POLYPOSIS, ADENOMATOUS INTESTINAL; FAMILIAL ADENOMATOUS POLYPOSIS 1, ATTENUATED. Identifiers: MedGen C2713442, MONDO:0021056, OMIM 175100. Disease mechanism: loss of function.
Hereditary cancer-predisposing syndrome. Also called: Tumor predisposition; Hereditary neoplastic syndrome; Neoplastic Syndromes, Hereditary; Hereditary Cancer Syndrome. Identifiers: Orphanet 140162, MedGen C0027672, MeSH D009386, MONDO:0015356.

Allele frequency attached by ClinVar (database versions not stated): ExAC 0.00002; TOPMed below 0.00001; gnomAD 0.00003 and 0.00001; 1000 Genomes Project 0.00040; 1000 Genomes Project 30x 0.00047; gnomAD exomes below 0.00001 and 0.00001.
gnomAD v4.1: 6 of 1,613,918 alleles (0.00037%); highest among the groups gnomAD compares: Admixed American, 0.0083%; no homozygotes.

Submissions (8):

Women's Health and Genetics/Laboratory Corporation of America, LabCorp
Classification: Uncertain significance. Last evaluated: 2026-06-12. Review status: criteria provided, single submitter. Criteria: LabCorp Variant Classification Summary - May 2015. Collection method: clinical testing. Allele origin: germline.
Comment: Variant summary: APC c.7262C>T (p.Ser2421Leu) results in a non-conservative amino acid change in the encoded protein sequence. Algorithms developed to predict the effect of missense changes on protein structure and function all suggest that this variant is likely to be disruptive. The variant allele was found at a frequency of 1.2e-05 in 250222 control chromosomes, predominantly at a frequency of 8.7e-05 within the Latino subpopulation in the gnomAD database. The available data on variant occurrences in the general population are insufficient to allow any conclusion about variant significance. c.7262C>T has been observed in at least 1 individual(s) affected with APC-related conditions (example, Herrera-Pariente_2021) without strong evidence for causality. These report(s) do not provide unequivocal conclusions about association of the variant with disease. To our knowledge, no experimental evidence demonstrating an impact on protein function has been reported. The following publication has been ascertained in the context of this evaluation (PMID: 33525650). ClinVar contains an entry for this variant (Variation ID: 418835). Based on the evidence outlined above, the variant was classified as uncertain significance.

Labcorp Genetics (formerly Invitae), Labcorp
Classification: Benign for Familial adenomatous polyposis 1. Last evaluated: 2026-01-27. Review status: criteria provided, single submitter. Criteria: Invitae Variant Classification Sherloc (09022015). Collection method: clinical testing. Allele origin: germline.

All of Us Research Program, National Institutes of Health
Classification: Uncertain significance for Classic or attenuated familial adenomatous polyposis. Last evaluated: 2024-05-14. Review status: criteria provided, single submitter. Criteria: ACMG Guidelines, 2015. Collection method: clinical testing. Allele origin: germline. Inheritance: Autosomal dominant inheritance. Observed: 4 variant alleles, 4 heterozygotes.
Comment: This missense variant replaces serine with leucine at codon 2421 of the APC protein. Computational prediction is inconclusive regarding the impact of this variant on protein structure and function (internally defined REVEL score threshold 0.5 < inconclusive < 0.7, PMID: 27666373). To our knowledge, functional studies have not been reported for this variant. This variant has not been reported in individuals affected with APC-related disorders in the literature. This variant has been identified in 3/250222 chromosomes in the general population by the Genome Aggregation Database (gnomAD). The available evidence is insufficient to determine the role of this variant in disease conclusively. Therefore, this variant is classified as a Variant of Uncertain Significance.

This study involves interpretation of variants in research participants for the purpose of population health screening. Participant phenotype was not available at the time of variant classification. Additional details can be found in publication PMID: 35346344, PMCID: PMC8962531

Color Diagnostics, LLC DBA Color Health
Classification: Uncertain significance for Hereditary cancer-predisposing syndrome. Last evaluated: 2024-04-10. Review status: criteria provided, single submitter. Criteria: ACMG Guidelines, 2015. Collection method: clinical testing. Allele origin: germline.
Comment: This missense variant replaces serine with leucine at codon 2421 of the APC protein. Computational prediction is inconclusive regarding the impact of this variant on protein structure and function (internally defined REVEL score threshold 0.5 < inconclusive < 0.7, PMID: 27666373). To our knowledge, functional studies have not been reported for this variant. This variant has not been reported in individuals affected with APC-related disorders in the literature. This variant has been identified in 3/250222 chromosomes in the general population by the Genome Aggregation Database (gnomAD). The available evidence is insufficient to determine the role of this variant in disease conclusively. Therefore, this variant is classified as a Variant of Uncertain Significance.

Quest Diagnostics Nichols Institute San Juan Capistrano
Classification: Uncertain significance. Last evaluated: 2023-11-07. Review status: criteria provided, single submitter. Criteria: Quest Diagnostics criteria. Collection method: clinical testing. Allele origin: unknown.
Comment: The APC c.7262C>T (p.Ser2421Leu) variant has been reported in the published literature in an individual with early onset gastric cancer (PMID: 33525650 (2021)). The frequency of this variant in the general population, 0.000087 (3/34542 chromosomes (Genome Aggregation Database)), is uninformative in the assessment of its pathogenicity. Analysis of this variant using bioinformatics tools for the prediction of the effect of amino acid changes on protein structure and function yielded predictions that this variant is damaging. Based on the available information, we are unable to determine the clinical significance of this variant.

Baylor Genetics
Classification: Uncertain significance for Familial adenomatous polyposis 1. Last evaluated: 2023-10-30. Review status: criteria provided, single submitter. Criteria: ACMG Guidelines, 2015. Collection method: clinical testing. Allele origin: unknown.

GeneDx
Classification: Uncertain significance. Last evaluated: 2023-08-02. Review status: criteria provided, single submitter. Criteria: GeneDx Variant Classification Process June 2021. Collection method: clinical testing. Allele origin: germline. Affected: yes.
Comment: Not observed at significant frequency in large population cohorts (gnomAD); In silico analysis supports that this missense variant has a deleterious effect on protein structure/function; Observed in an individual with gastric cancer (Herrera-Parienta et al., 2021); This variant is associated with the following publications: (PMID: 33525650)

Ambry Genetics
Classification: Likely benign for Hereditary cancer-predisposing syndrome. Last evaluated: 2023-04-14. Review status: criteria provided, single submitter. Criteria: Ambry Variant Classification Scheme 2023. Collection method: clinical testing. Allele origin: germline.

Literature cited by the submitters: PubMed 33525650 (cited by 3 submitters).

NM_000038.6(APC):c.7262C>T (p.Ser2421Leu)

Gene: APC (APC regulator of Wnt signaling pathway; plus strand). Cytogenetic location: 5q22.2.
Variant type: single nucleotide variant.
Coding change: c.7262C>T on transcript NM_000038.6 (MANE Select); coding-DNA position 7262, C replaced by T.
Protein change: p.Ser2421Leu; replaces serine 2421 with leucine.
Molecular consequence: missense variant.
Genome position (GRCh38, 1-based): chr5:112,842,856, C>T. VCF-style: chr5-112842856-C-T. GRCh37 (hg19) VCF-style: chr5-112178553-C-T.
Other names: c.7262C>T, p.Ser2421Leu (NM_001127510.3, NM_001354895.2); c.7208C>T, p.Ser2403Leu (NM_001127511.3); c.7316C>T, p.Ser2439Leu (NM_001354896.2); c.7292C>T, p.Ser2431Leu (NM_001354897.2); c.7187C>T, p.Ser2396Leu (NM_001354898.2); c.7178C>T, p.Ser2393Leu (NM_001354899.2); c.7139C>T, p.Ser2380Leu (NM_001354900.2); c.7085C>T, p.Ser2362Leu (NM_001354901.2); and 5 more; short protein forms S2403L, S2421L, S2396L, S2431L, S2295L, S2320L, S2439L, S2138L.
Identifiers: ClinVar variation 418835 (VCV000418835.29), dbSNP rs536557651, ClinGen allele CA047405.